The following is an entry in ClinVar:

ClinVar aggregate classification (germline): Uncertain significance (1 of 4 stars; one submission).

Conditions:
Inborn genetic diseases. Identifiers: MedGen C0950123, MeSH D030342.

Submission:

Ambry Genetics
Classification: Uncertain significance for Inborn genetic diseases. Last evaluated: 2024-02-11. Review status: criteria provided, single submitter. Criteria: Ambry Variant Classification Scheme 2023. Collection method: clinical testing. Allele origin: germline.
Comment: The p.R1803S variant (also known as c.5409A>C), located in coding exon 32 of the ATR gene, results from an A to C substitution at nucleotide position 5409. The arginine at codon 1803 is replaced by serine, an amino acid with dissimilar properties. This amino acid position is conserved. In addition, the in silico prediction for this alteration is inconclusive. Based on the available evidence, the clinical significance of this alteration remains unclear.

NM_001184.4(ATR):c.5409A>C (p.Arg1803Ser)

Gene: ATR (ATR checkpoint kinase; minus strand). Cytogenetic location: 3q23.
Variant type: single nucleotide variant.
Coding change: c.5409A>C on transcript NM_001184.4 (MANE Select); coding-DNA position 5409, A replaced by C.
Protein change: p.Arg1803Ser; replaces arginine 1803 with serine.
Molecular consequence: missense variant.
Genome position (GRCh38, 1-based): chr3:142,498,746, T>G on the plus strand (A>C on the coding strand, the complement: ATR is on the minus strand). VCF-style: chr3-142498746-T-G. GRCh37 (hg19) VCF-style: chr3-142217588-T-G.
Other names: c.5217A>C, p.Arg1739Ser (NM_001354579.2); short protein forms R1739S, R1803S.
Identifiers: ClinVar variation 3221211 (VCV003221211.1), dbSNP rs2031786645, ClinGen allele CA354816286.